The following is an entry in ClinVar:

NM_001145358.2(SIN3A):c.2448dup (p.His817fs)

Gene: SIN3A (SIN3 transcription regulator family member A; minus strand). Cytogenetic location: 15q24.2.
Variant type: Duplication.
Coding change: c.2448dup on transcript NM_001145358.2 (MANE Select); coding-DNA position 2448, one base duplicated (G; older notation c.2448dupG).
Protein change: p.His817fs; shifts the reading frame from histidine 817.
Molecular consequence: frameshift variant.
Genome position (GRCh38, 1-based): chr15:75,392,645, C duplicated on the plus strand (G on the coding strand, the reverse complement: SIN3A is on the minus strand). VCF-style (leftmost placement, unchanged base first): chr15-75392644-G-GC. GRCh37 (hg19) VCF-style: chr15-75684985-G-GC.
Other names: c.2448dup, p.His817fs (NM_001145357.2, NM_015477.3); short protein forms H817fs.
Identifiers: ClinVar variation 3776511 (VCV003776511.1).

ClinVar aggregate classification (germline): Pathogenic (1 of 4 stars; one submission).

Submission:

GeneDx
Classification: Pathogenic. Last evaluated: 2024-09-26. Review status: criteria provided, single submitter. Criteria: GeneDx Variant Classification Process June 2021. Collection method: clinical testing. Allele origin: germline. Affected: yes.
Comment: Frameshift variant predicted to result in protein truncation or nonsense mediated decay in a gene for which loss of function is a known mechanism of disease; Not observed at significant frequency in large population cohorts (gnomAD); Has not been previously published as pathogenic or benign to our knowledge